The following is an entry in ClinVar:

NM_002088.5(GRIK5):c.2010C>T (p.His670=)

Gene: GRIK5 (glutamate ionotropic receptor kainate type subunit 5; minus strand). Cytogenetic location: 19q13.2.
Variant type: single nucleotide variant.
Coding change: c.2010C>T on transcript NM_002088.5 (MANE Select); coding-DNA position 2010, C replaced by T.
Protein change: p.His670=; no amino-acid change (histidine 670 retained).
Molecular consequence: synonymous variant.
Genome position (GRCh38, 1-based): chr19:42,006,672, G>A on the plus strand (C>T on the coding strand, the complement: GRIK5 is on the minus strand). VCF-style: chr19-42006672-G-A. GRCh37 (hg19) VCF-style: chr19-42510824-G-A.
Other names: c.2010C>T, p.His670= (NM_001301030.2).
Identifiers: ClinVar variation 3042379 (VCV003042379.2), dbSNP rs368722769, ClinGen allele CA9468229.

ClinVar aggregate classification (germline): Likely benign (0 of 4 stars; one submission).

Conditions:
GRIK5-related disorder. Also called: GRIK5-related condition.

Allele frequency attached by ClinVar (database versions not stated): ExAC 0.00001; gnomAD exomes 0.00002; gnomAD 0.00003; TOPMed 0.00006.
gnomAD v4.1: 38 of 1,613,844 alleles (0.0024%); highest among the groups gnomAD compares: African/African-American, 0.008%; no homozygotes.

Submission:

PreventionGenetics, part of Exact Sciences
Classification: Likely benign for GRIK5-related condition. Last evaluated: 2019-05-31. Review status: no assertion criteria provided. Collection method: clinical testing. Allele origin: germline.
Comment: This variant is classified as likely benign based on ACMG/AMP sequence variant interpretation guidelines (Richards et al. 2015 PMID: 25741868, with internal and published modifications).